The following is an entry in ClinVar:

ClinVar aggregate classification (germline): Uncertain significance (1 of 4 stars; one submission).

Submission:

Ambry Genetics
Classification: Uncertain significance. Last evaluated: 2023-04-04. Review status: criteria provided, single submitter. Criteria: Ambry Variant Classification Scheme 2023. Collection method: clinical testing. Allele origin: germline.
Comment: The c.1441_1442delGAinsTT variant, located in coding exon 11 of the RECQL gene, results from an in-frame deletion of GA and insertion of TT at nucleotide positions 1441 to 1442. This results in the substitution of the aspartic acid residue for a phenylalanine residue at codon 481, an amino acid with highly dissimilar properties. This amino acid position is not well conserved in available vertebrate species. The evidence for this gene-disease relationship is limited; therefore, the clinical significance of this alteration is unclear.

NM_002907.4(RECQL):c.1441_1442delinsTT (p.Asp481Phe)

Gene: RECQL (RecQ like helicase; minus strand). Cytogenetic location: 12p12.1.
Variant type: Indel.
Coding change: c.1441_1442delinsTT on transcript NM_002907.4 (MANE Select); coding-DNA positions 1441 to 1442, GA replaced by TT.
Protein change: p.Asp481Phe; replaces aspartic acid 481 with phenylalanine.
Molecular consequence: missense variant.
Genome position (GRCh38, 1-based): chr12:21,473,556-21,473,557, TC replaced by AA on the plus strand (GA replaced by TT on the coding strand, the reverse complement: RECQL is on the minus strand). VCF-style: chr12-21473556-TC-AA. GRCh37 (hg19) VCF-style: chr12-21626490-TC-AA.
Other names: c.1441_1442delinsTT, p.Asp481Phe (NM_032941.3); short protein forms D481F.
Identifiers: ClinVar variation 2565563 (VCV002565563.2), dbSNP rs2540334046, ClinGen allele CA2580615147.